The following is an entry in ClinVar:

ClinVar aggregate classification (germline): Pathogenic (1 of 4 stars; one submission).

Conditions:
Inborn genetic diseases. Identifiers: MedGen C0950123, MeSH D030342.

Submission:

Ambry Genetics
Classification: Pathogenic for Inborn genetic diseases. Last evaluated: 2019-06-29. Review status: criteria provided, single submitter. Criteria: Ambry Variant Classification Scheme 2023. Collection method: clinical testing. Allele origin: germline.
Comment: The p.E84* pathogenic mutation (also known as c.250G>T), located in coding exon 1 of the SLC16A2 gene, results from a G to T substitution at nucleotide position 250. This changes the amino acid from a glutamic acid to a stop codon within coding exon 1. This alteration is expected to result in loss of function by premature protein truncation or nonsense-mediated mRNA decay. As such, this alteration is interpreted as a disease-causing mutation.

NM_006517.5(SLC16A2):c.28G>T (p.Glu10Ter)

Gene: SLC16A2 (solute carrier family 16 member 2; plus strand). Cytogenetic location: Xq13.2.
Variant type: single nucleotide variant.
Coding change: c.28G>T on transcript NM_006517.5 (MANE Select); coding-DNA position 28, G replaced by T.
Protein change: p.Glu10Ter; replaces glutamic acid 10 with a stop codon.
Molecular consequence: nonsense.
Genome position (GRCh38, 1-based): chrX:74,421,665, G>T. VCF-style: chrX-74421665-G-T. GRCh37 (hg19) VCF-style: chrX-73641500-G-T.
Other names: short protein forms E10*.
Identifiers: ClinVar variation 1792385 (VCV001792385.2), dbSNP rs2519759087, ClinGen allele CA413655613.